The following is an entry in ClinVar:

ClinVar aggregate classification (germline): Uncertain significance. Review status: criteria provided, multiple submitters, no conflicts (2 of 4 stars). 2 submissions from 2 submitters: Uncertain significance (2). Last evaluated 2026-03-05.

Conditions:
Inborn genetic diseases. Identifiers: MedGen C0950123, MeSH D030342.

gnomAD v4.1: 61 of 1,600,470 alleles (0.0038%); highest among the groups gnomAD compares: Non-Finnish European, 0.0051%; no homozygotes.

Submissions (2):

Women's Health and Genetics/Laboratory Corporation of America, LabCorp
Classification: Uncertain significance. Last evaluated: 2026-03-05. Review status: criteria provided, single submitter. Criteria: LabCorp Variant Classification Summary - May 2015. Collection method: clinical testing. Allele origin: germline.
Comment: Variant summary: CNNM2 c.2333G>A (p.Ser778Asn) results in a conservative amino acid change in the encoded protein sequence. Algorithms developed to predict the effect of missense changes on protein structure and function are either unavailable or do not agree on the potential impact of this missense change. The variant allele was found at a frequency of 2.7e-05 in 225152 control chromosomes. The available data on variant occurrences in the general population are insufficient to allow any conclusion about variant significance. To our knowledge, no occurrence of c.2333G>A in individuals affected with CNNM2-related conditions and no experimental evidence demonstrating its impact on protein function have been reported. ClinVar contains an entry for this variant (Variation ID: 3494413). Based on the evidence outlined above, the variant was classified as uncertain significance.

Ambry Genetics
Classification: Uncertain significance for Inborn genetic diseases. Last evaluated: 2024-11-07. Review status: criteria provided, single submitter. Criteria: Ambry Variant Classification Scheme 2023. Collection method: clinical testing. Allele origin: germline.

NM_017649.5(CNNM2):c.2333G>A (p.Ser778Asn)

Gene: CNNM2 (cyclin and CBS domain divalent metal cation transport mediator 2; plus strand). Cytogenetic location: 10q24.32.
Variant type: single nucleotide variant.
Coding change: c.2333G>A on transcript NM_017649.5 (MANE Select); coding-DNA position 2333, G replaced by A.
Protein change: p.Ser778Asn; replaces serine 778 with asparagine.
Molecular consequence: missense variant.
Genome position (GRCh38, 1-based): chr10:103,076,185, G>A. VCF-style: chr10-103076185-G-A. GRCh37 (hg19) VCF-style: chr10-104835942-G-A.
Other names: c.2267G>A, p.Ser756Asn (NM_199076.3); short protein forms S756N, S778N.
Identifiers: ClinVar variation 3494413 (VCV003494413.2).